The following is an entry in ClinVar:

NM_001330288.2(SMARCC2):c.2545A>G (p.Ile849Val)

Gene: SMARCC2 (SWI/SNF related BAF chromatin remodeling complex subunit C2; minus strand). Cytogenetic location: 12q13.2.
Variant type: single nucleotide variant.
Coding change: c.2545A>G on transcript NM_001330288.2 (MANE Select); coding-DNA position 2545, A replaced by G.
Protein change: p.Ile849Val; replaces isoleucine 849 with valine.
Molecular consequence: missense variant.
Genome position (GRCh38, 1-based): chr12:56,169,779, T>C on the plus strand (A>G on the coding strand, the complement: SMARCC2 is on the minus strand). VCF-style: chr12-56169779-T-C. GRCh37 (hg19) VCF-style: chr12-56563563-T-C.
Other names: c.2545A>G, p.Ile849Val (NM_001130420.3, NM_139067.4); c.2452A>G, p.Ile818Val (NM_003075.5); short protein forms I818V, I849V.
Identifiers: ClinVar variation 3600377 (VCV003600377.1).

ClinVar aggregate classification (germline): Uncertain significance (1 of 4 stars; one submission).

Conditions:
Coffin-Siris syndrome 8. Identifiers: MedGen C5193054, MONDO:0032702, OMIM 618362.

gnomAD v4.1: 224 of 1,614,140 alleles (0.014%); highest among the groups gnomAD compares: Middle Eastern, 0.23%; no homozygotes.

Submission:

Clinical Genomics Laboratory, Washington University in St. Louis
Classification: Uncertain significance for Coffin-Siris syndrome 8. Last evaluated: 2024-06-20. Review status: criteria provided, single submitter. Criteria: ACMG Guidelines, 2015. Collection method: clinical testing. Allele origin: germline.
Comment: The SMARCC2 c.2545A>G (p.Ile849Val) variant, to our knowledge, has not been reported in the medical literature. The highest population minor allele frequency in the population database genome aggregation database (v.2.1.1) is 0.02% in the European non-Finnish population. Computational predictors suggest that the variant does not impact SMARCC2 function as a missense variant, however, computational predictors indicate that this variant would alter splicing, evidence that correlates to an impact of this variant SMARCC2 function. Due to limited information, and based on ACMG/AMP guidelines for variant interpretation (Richards S et al., PMID: 25741868), the clinical significance of this variant is uncertain at this time.